The following is an entry in ClinVar:

ClinVar aggregate classification (germline): Pathogenic. Review status: criteria provided, single submitter (1 of 4 stars). 2 submissions from 2 submitters: Pathogenic (1). 1 of the submissions does not count toward it. Last evaluated 2024-10-17.

Conditions:
Hereditary cancer-predisposing syndrome. Also called: Tumor predisposition; Hereditary neoplastic syndrome; Neoplastic Syndromes, Hereditary; Hereditary Cancer Syndrome. Identifiers: Orphanet 140162, MedGen C0027672, MeSH D009386, MONDO:0015356.
Malignant tumor of urinary bladder. Also called: Bladder cancer; Urinary bladder cancer; Urinary Bladder Neoplasms. Identifiers: MedGen C0005684, MONDO:0001187, OMIM 109800.

Submissions (2):

Ambry Genetics
Classification: Pathogenic for Hereditary cancer-predisposing syndrome. Last evaluated: 2024-10-17. Review status: criteria provided, single submitter. Criteria: Ambry Variant Classification Scheme 2023. Collection method: clinical testing. Allele origin: germline.
Comment: The p.Q561* pathogenic mutation (also known as c.1681C>T), located in coding exon 10 of the ATM gene, results from a C to T substitution at nucleotide position 1681. This changes the amino acid from a glutamine to a stop codon within coding exon 10. This alteration has been reported in an individual with early-onset breast cancer and a family history of ovarian cancer (Yang Z et al. Breast Cancer Res Treat, 2019 Apr;174:639-647). This variant is considered to be rare based on population cohorts in the Genome Aggregation Database (gnomAD). This alteration is expected to result in loss of function by premature protein truncation or nonsense-mediated mRNA decay. As such, this alteration is interpreted as a disease-causing mutation.

Laboratory of Urology, Hospital Clinic de Barcelona
Classification: Pathogenic for Malignant tumor of urinary bladder. Review status: no assertion criteria provided. Collection method: research. Allele origin: somatic. Affected: yes. Not counted in ClinVar's aggregate classification.

Literature cited by the submitters: PubMed 30607632 (cited by Ambry Genetics).

NM_000051.4(ATM):c.1681C>T (p.Gln561Ter)

Gene: ATM (ATM serine/threonine kinase; plus strand). Cytogenetic location: 11q22.3.
Variant type: single nucleotide variant.
Coding change: c.1681C>T on transcript NM_000051.4 (MANE Select); coding-DNA position 1681, C replaced by T.
Protein change: p.Gln561Ter; replaces glutamine 561 with a stop codon.
Molecular consequence: nonsense.
Genome position (GRCh38, 1-based): chr11:108,251,910, C>T. VCF-style: chr11-108251910-C-T. GRCh37 (hg19) VCF-style: chr11-108122637-C-T.
Other names: c.1681C>T, p.Gln561Ter (NM_001351834.2); short protein forms Q561*.
Identifiers: ClinVar variation 2582284 (VCV002582284.2), dbSNP rs2080170537, ClinGen allele CA382535158.